The following is an entry in ClinVar:

ClinVar aggregate classification (germline): Uncertain significance (1 of 4 stars; one submission).

Submission:

GeneDx
Classification: Uncertain significance. Last evaluated: 2025-04-25. Review status: criteria provided, single submitter. Criteria: GeneDx Variant Classification Process June 2021. Collection method: clinical testing. Allele origin: germline. Affected: yes.
Comment: Not observed at significant frequency in large population cohorts (gnomAD); Canonical splice site variant in a gene or region of a gene for which loss of function is not a well-established mechanism of disease; Has not been previously published as pathogenic or benign to our knowledge

NM_001394062.1(MACF1):c.11424+1G>A

Gene: MACF1 (microtubule actin crosslinking factor 1; plus strand). Cytogenetic location: 1p34.3.
Variant type: single nucleotide variant.
Coding change: c.11424+1G>A on transcript NM_001394062.1 (MANE Select); the canonical splice donor site of the intron after coding-DNA position 11424, G replaced by A.
Molecular consequence: splice donor variant.
Genome position (GRCh38, 1-based): chr1:39,353,232, G>A. VCF-style: chr1-39353232-G-A. GRCh37 (hg19) VCF-style: chr1-39818904-G-A.
Other names: c.5238+1G>A (NM_012090.5).
Identifiers: ClinVar variation 4527718 (VCV004527718.1).